The following is an entry in ClinVar:

ClinVar aggregate classification (germline): Uncertain significance (1 of 4 stars; one submission).

Conditions:
Benign neonatal seizures. Also called: Convulsions benign familial neonatal dominant form; Autosomal dominant form of benign neonatal seizures; Benign neonatal familial convulsions; Benign familial neonatal seizures; Benign familial neonatal epilepsy. Identifiers: Orphanet 1949, MedGen C0220669, MONDO:0016027.

Allele frequency attached by ClinVar (database versions not stated): ExAC 0.00001; 1000 Genomes Project 30x 0.00016; 1000 Genomes Project 0.00020.
gnomAD v4.1: 2 of 1,597,508 alleles (0.00013%); highest among the groups gnomAD compares: Admixed American, 0.0017%; no homozygotes.

Submission:

Labcorp Genetics (formerly Invitae), Labcorp
Classification: Uncertain significance for Benign neonatal seizures. Last evaluated: 2020-01-18. Review status: criteria provided, single submitter. Criteria: Invitae Variant Classification Sherloc (09022015). Collection method: clinical testing. Allele origin: germline.
Comment: This variant is present in population databases (rs549681789, ExAC 0.002%). This sequence change replaces glycine with arginine at codon 65 of the KCNQ3 protein (p.Gly65Arg). The glycine residue is moderately conserved and there is a moderate physicochemical difference between glycine and arginine. This variant has not been reported in the literature in individuals with KCNQ3-related conditions. Algorithms developed to predict the effect of missense changes on protein structure and function are either unavailable or do not agree on the potential impact of this missense change (SIFT: "Tolerated"; PolyPhen-2: "Probably Damaging"; Align-GVGD: "Class C0"). In summary, the available evidence is currently insufficient to determine the role of this variant in disease. Therefore, it has been classified as a Variant of Uncertain Significance.

NM_004519.4(KCNQ3):c.193G>C (p.Gly65Arg)

Gene: KCNQ3 (potassium voltage-gated channel subfamily Q member 3; minus strand). Cytogenetic location: 8q24.22.
Variant type: single nucleotide variant.
Coding change: c.193G>C on transcript NM_004519.4 (MANE Select); coding-DNA position 193, G replaced by C.
Protein change: p.Gly65Arg; replaces glycine 65 with arginine.
Molecular consequence: missense variant.
Genome position (GRCh38, 1-based): chr8:132,480,340, C>G on the plus strand (G>C on the coding strand, the complement: KCNQ3 is on the minus strand). VCF-style: chr8-132480340-C-G. GRCh37 (hg19) VCF-style: chr8-133492587-C-G.
Other names: short protein forms G65R.
Identifiers: ClinVar variation 1051202 (VCV001051202.9), dbSNP rs549681789, ClinGen allele CA4881002.
Genomic context (GRCh38, chr8:132,480,340, plus strand): 5'-TGCCCTGCGGGGTCCTCCGCTGCCCCTCGTCGCGGCCGCCGCCCTCCAGCAGCAGGGTCC[C>G]GTCTTTGTCGGCTCCGGCCCCGAGCGCCAAGGTGACTTGCTCCACGTCGCCGGGCGCCAG-3'
Protein context (NP_004510.1, residues 55-75): LALGAGADKD[Gly65Arg]TLLLEGGGRD